The following is an entry in ClinVar:

ClinVar aggregate classification (germline): Uncertain significance (1 of 4 stars; one submission).

Submission:

GeneDx
Classification: Uncertain significance. Last evaluated: 2023-07-01. Review status: criteria provided, single submitter. Criteria: GeneDx Variant Classification Process June 2021. Collection method: clinical testing. Allele origin: germline. Affected: yes.
Comment: Not observed at significant frequency in large population cohorts (gnomAD); In silico analysis supports that this missense variant has a deleterious effect on protein structure/function; In silico analysis supports that this missense variant does not alter protein structure/function; Has not been previously published as pathogenic or benign to our knowledge

NM_014491.4(FOXP2):c.1762A>G (p.Ile588Val)

Gene: FOXP2 (forkhead box P2; plus strand). Cytogenetic location: 7q31.1.
Variant type: single nucleotide variant.
Coding change: c.1762A>G on transcript NM_014491.4 (MANE Select); coding-DNA position 1762, A replaced by G.
Protein change: p.Ile588Val; replaces isoleucine 588 with valine.
Molecular consequence: missense variant. On other transcripts: non-coding transcript variant (2).
Genome position (GRCh38, 1-based): chr7:114,662,179, A>G. VCF-style: chr7-114662179-A-G. GRCh37 (hg19) VCF-style: chr7-114302234-A-G.
Other names: c.1759A>G, p.Ile587Val (NM_001172766.3); c.1837A>G, p.Ile613Val (NM_148898.4); c.1813A>G, p.Ile605Val (NM_148900.4); short protein forms I587V, I588V, I605V, I613V.
Identifiers: ClinVar variation 3360616 (VCV003360616.1).